The following is an entry in ClinVar:

ClinVar aggregate classification (germline): Benign/Likely benign. Review status: criteria provided, multiple submitters, no conflicts (2 of 4 stars). 9 submissions from 9 submitters: Benign (5); Likely benign (4). Last evaluated 2025-12-10.

Conditions:
ANK2-related disorder. Also called: ANK2-related condition.
Cardiovascular phenotype. Identifiers: MedGen CN230736.
Long QT syndrome (LQTS). Identifiers: MedGen C0023976, MeSH D008133, MONDO:0002442. Disease mechanism: loss of function. Inheritance: Various modes of inheritance.
Cardiomyopathy (CMYO). Also called: Cardiomyopathies. Identifiers: Orphanet 167848, MedGen C0878544, MONDO:0004994, HP:0001638. Inheritance: Various modes of inheritance.
Cardiac arrhythmia, ankyrin-B-related. Also called: ANKYRIN-B SYNDROME. Identifiers: Orphanet 101016, Orphanet 768, MedGen C1970119, MONDO:0010958, OMIM 600919.

Allele frequency attached by ClinVar (database versions not stated): ESP Exome Variant Server 0.00015; gnomAD 0.00032 and 0.00036; ExAC 0.00058; gnomAD exomes 0.00058; TOPMed 0.00060; 1000 Genomes Project 30x 0.00078; 1000 Genomes Project 0.00080.
gnomAD v4.1: 452 of 1,614,012 alleles (0.028%); highest among the groups gnomAD compares: East Asian, 0.81%; 5 homozygotes.

Submissions (9):

Labcorp Genetics (formerly Invitae), Labcorp
Classification: Benign for Long QT syndrome. Last evaluated: 2025-12-10. Review status: criteria provided, single submitter. Criteria: Invitae Variant Classification Sherloc (09022015). Collection method: clinical testing. Allele origin: germline.

Ambry Genetics
Classification: Benign for Cardiovascular phenotype. Last evaluated: 2025-11-20. Review status: criteria provided, single submitter. Criteria: Ambry Variant Classification Scheme 2023. Collection method: clinical testing. Allele origin: germline.

Women's Health and Genetics/Laboratory Corporation of America, LabCorp
Classification: Likely benign. Last evaluated: 2025-05-15. Review status: criteria provided, single submitter. Criteria: LabCorp Variant Classification Summary - May 2015. Collection method: clinical testing. Allele origin: germline.

PreventionGenetics, part of Exact Sciences
Classification: Likely benign for ANK2-related condition. Last evaluated: 2025-05-07. Review status: criteria provided, single submitter. Criteria: ACMG Guidelines, 2015. Collection method: clinical testing. Allele origin: germline.
Comment: This variant is classified as likely benign based on ACMG/AMP sequence variant interpretation guidelines (Richards et al. 2015 PMID: 25741868, with internal and published modifications).

Blueprint Genetics
Classification: Benign. Last evaluated: 2024-09-23. Review status: criteria provided, single submitter. Criteria: ACMG Guidelines, 2015. Collection method: clinical testing. Allele origin: germline.

Genome-Nilou Lab
Classification: Benign for Cardiac arrhythmia, ankyrin-B-related. Last evaluated: 2021-12-05. Review status: criteria provided, single submitter. Criteria: ACMG Guidelines, 2015. Collection method: clinical testing. Allele origin: germline. Affected: no.

GeneDx
Classification: Likely benign. Last evaluated: 2019-07-30. Review status: criteria provided, single submitter. Criteria: GeneDx Variant Classification Process June 2021. Collection method: clinical testing. Allele origin: germline. Affected: yes.
Comment: This variant is associated with the following publications: (PMID: 30662066, 30109564, 25351510)

Center for Advanced Laboratory Medicine, UC San Diego Health, University of California San Diego
Classification: Likely benign for Cardiomyopathy. Last evaluated: 2019-01-31. Review status: criteria provided, single submitter. Criteria: ACMG Guidelines, 2015. Collection method: clinical testing. Allele origin: germline. Affected: yes. Observed: 1 variant allele.

Illumina Laboratory Services, Illumina
Classification: Benign for Cardiac arrhythmia, ankyrin-B-related. Last evaluated: 2017-09-26. Review status: criteria provided, single submitter. Criteria: ICSL Variant Classification Criteria 13 December 2019. Collection method: clinical testing. Allele origin: germline.
Comment: This variant was observed as part of a predisposition screen in an ostensibly healthy population. A literature search was performed for the gene, cDNA change, and amino acid change (where applicable). No publications were found based on this search. Allele frequency data from public databases was too high to be consistent with this variant causing disease. Therefore, this variant is classified as benign.

NM_001148.6(ANK2):c.8240G>A (p.Arg2747His)

Gene: ANK2 (ankyrin 2; plus strand). Cytogenetic location: 4q26.
Variant type: single nucleotide variant.
Coding change: c.8240G>A on transcript NM_001148.6 (MANE Select); coding-DNA position 8240, G replaced by A.
Protein change: p.Arg2747His; replaces arginine 2747 with histidine.
Molecular consequence: missense variant. On other transcripts: intron variant (68).
Genome position (GRCh38, 1-based): chr4:113,356,858, G>A. VCF-style: chr4-113356858-G-A. GRCh37 (hg19) VCF-style: chr4-114278014-G-A.
Other names: c.8006G>A, p.Arg2669His (NM_001386142.1); c.4640G>A, p.Arg1547His (NM_001386166.1); c.8381G>A, p.Arg2794His (NM_001386174.1); c.8357G>A, p.Arg2786His (NM_001386175.1); c.4412-3965G>A (NM_001386186.2, NM_001386148.2); c.4214-3965G>A (NM_001354269.3); c.4292-3965G>A (NM_001386187.2); c.4253-3965G>A (NM_001386147.1); and 35 more; short protein forms R2747H, R1547H, R2669H, R2786H, R2794H.
Identifiers: ClinVar variation 379341 (VCV000379341.27), dbSNP rs142137451, ClinGen allele CA3051736.